The following is an entry in ClinVar:

ClinVar aggregate classification (germline): Uncertain significance (1 of 4 stars; one submission).

Conditions:
Long QT syndrome (LQTS). Identifiers: MedGen C0023976, MeSH D008133, MONDO:0002442. Disease mechanism: loss of function. Inheritance: Various modes of inheritance.

Submission:

Labcorp Genetics (formerly Invitae), Labcorp
Classification: Uncertain significance for Long QT syndrome. Last evaluated: 2023-07-20. Review status: criteria provided, single submitter. Criteria: Invitae Variant Classification Sherloc (09022015). Collection method: clinical testing. Allele origin: germline.
Comment: An algorithm developed to predict the effect of missense changes on protein structure and function (PolyPhen-2) suggests that this variant is likely to be disruptive. This variant has not been reported in the literature in individuals affected with AKAP9-related conditions. In summary, the available evidence is currently insufficient to determine the role of this variant in disease. Therefore, it has been classified as a Variant of Uncertain Significance. This sequence change replaces isoleucine, which is neutral and non-polar, with methionine, which is neutral and non-polar, at codon 2494 of the AKAP9 protein (p.Ile2494Met). This variant is not present in population databases (gnomAD no frequency).

NM_005751.5(AKAP9):c.7482A>G (p.Ile2494Met)

Gene: AKAP9 (A-kinase anchoring protein 9; plus strand). Cytogenetic location: 7q21.2.
Variant type: single nucleotide variant.
Coding change: c.7482A>G on transcript NM_005751.5 (MANE Select); coding-DNA position 7482, A replaced by G.
Protein change: p.Ile2494Met; replaces isoleucine 2494 with methionine.
Molecular consequence: missense variant.
Genome position (GRCh38, 1-based): chr7:92,079,615, A>G. VCF-style: chr7-92079615-A-G. GRCh37 (hg19) VCF-style: chr7-91708929-A-G.
Other names: c.2127A>G, p.Ile709Met (NM_001379277.1); c.7458A>G, p.Ile2486Met (NM_147185.3); short protein forms I2486M, I2494M, I709M.
Identifiers: ClinVar variation 2809740 (VCV002809740.3), dbSNP rs2535245999, ClinGen allele CA368135828.